The following is an entry in ClinVar:

ClinVar aggregate classification (germline): Pathogenic (1 of 4 stars; one submission).

Conditions:
Ehlers-Danlos syndrome, classic type, 1 (EDSCL1). Also called: EHLERS-DANLOS SYNDROME, GRAVIS TYPE; EHLERS-DANLOS SYNDROME, SEVERE CLASSIC TYPE; Ehlers-Danlos syndrome, type 1; Ehlers-Danlos Syndrome, Classic Type, COL5A1-Related; EDS I. Identifiers: MedGen C0268335, MONDO:0019567, OMIM 130000.

Submission:

Labcorp Genetics (formerly Invitae), Labcorp
Classification: Pathogenic for Ehlers-Danlos syndrome, classic type, 1. Last evaluated: 2025-07-23. Review status: criteria provided, single submitter. Criteria: Invitae Variant Classification Sherloc (09022015). Collection method: clinical testing. Allele origin: germline.
Comment: This sequence change creates a premature translational stop signal (p.Met320Asnfs*10) in the COL5A1 gene. It is expected to result in an absent or disrupted protein product. Loss-of-function variants in COL5A1 are known to be pathogenic (PMID: 23587214). This variant is not present in population databases (gnomAD no frequency). This variant has not been reported in the literature in individuals affected with COL5A1-related conditions. For these reasons, this variant has been classified as Pathogenic.

Literature cited by the submitters: PubMed 23587214.

NM_000093.5(COL5A1):c.937_958dup (p.Met320fs)

Gene: COL5A1 (collagen type V alpha 1 chain; plus strand). Cytogenetic location: 9q34.3.
Variant type: Duplication.
Coding change: c.937_958dup on transcript NM_000093.5 (MANE Select); coding-DNA positions 937 to 958, 22 bases duplicated (ACCCCCACGGAAGCTGCTCCCA).
Protein change: p.Met320fs; shifts the reading frame from methionine 320.
Molecular consequence: frameshift variant.
Genome position (GRCh38, 1-based): chr9:134,730,248-134,730,269, ACCCCCACGGAAGCTGCTCCCA duplicated. VCF-style (leftmost placement, unchanged base first): chr9-134730247-G-GACCCCCACGGAAGCTGCTCCCA. GRCh37 (hg19) VCF-style: chr9-137622093-G-GACCCCCACGGAAGCTGCTCCCA.
Other names: c.937_958dup, p.Met320fs (NM_001278074.1); short protein forms M320fs.
Identifiers: ClinVar variation 4719448 (VCV004719448.1).
Genomic context (GRCh38, chr9:134,730,247, plus strand): 5'-ACTGCCGGCCTCCGCCCTGACTCCAGCTGTCTCTGTCCTTGGCTCCCAGGAGCTGACCCC[G>GACCCCCACGGAAGCTGCTCCCA]ACCCCCACGGAAGCTGCTCCCATGCCTGAAACCAGTGAAGGGGCTGGGAAGGAAGAGGAC-3'